The following is an entry in ClinVar:

ClinVar aggregate classification (germline): Uncertain significance. Review status: criteria provided, multiple submitters, no conflicts (2 of 4 stars). 3 submissions from 3 submitters: Uncertain significance (3). Last evaluated 2023-04-11.

Conditions:
Developmental and epileptic encephalopathy, 18 (DEE18). Also called: Early infantile epileptic encephalopathy 18. Identifiers: Orphanet 369894, MedGen C3809624, MONDO:0014201, OMIM 615476.
Inborn genetic diseases. Identifiers: MedGen C0950123, MeSH D030342.

Allele frequency attached by ClinVar (database versions not stated): ExAC 0.00002.
gnomAD v4.1: 9 of 1,614,022 alleles (0.00056%); highest among the groups gnomAD compares: South Asian, 0.0099%; no homozygotes.

Submissions (3):

Genome-Nilou Lab
Classification: Uncertain significance for Developmental and epileptic encephalopathy, 18. Last evaluated: 2023-04-11. Review status: criteria provided, single submitter. Criteria: ACMG Guidelines, 2015. Collection method: clinical testing. Allele origin: germline. Affected: no.

Labcorp Genetics (formerly Invitae), Labcorp
Classification: Uncertain significance. Last evaluated: 2022-04-28. Review status: criteria provided, single submitter. Criteria: Invitae Variant Classification Sherloc (09022015). Collection method: clinical testing. Allele origin: germline.
Comment: In summary, the available evidence is currently insufficient to determine the role of this variant in disease. Therefore, it has been classified as a Variant of Uncertain Significance. Algorithms developed to predict the effect of missense changes on protein structure and function are either unavailable or do not agree on the potential impact of this missense change (SIFT: "Tolerated"; PolyPhen-2: "Probably Damaging"; Align-GVGD: "Class C0"). This variant has not been reported in the literature in individuals affected with SZT2-related conditions. This variant is present in population databases (rs750743832, gnomAD 0.01%). This sequence change replaces glutamine, which is neutral and polar, with arginine, which is basic and polar, at codon 1195 of the SZT2 protein (p.Gln1195Arg).

Ambry Genetics
Classification: Uncertain significance for Inborn genetic diseases. Last evaluated: 2017-10-11. Review status: criteria provided, single submitter. Criteria: Ambry Variant Classification Scheme 2023. Collection method: clinical testing. Allele origin: germline.
Comment: The p.Q1195R variant (also known as c.3584A>G), located in coding exon 25 of the SZT2 gene, results from an A to G substitution at nucleotide position 3584. The glutamine at codon 1195 is replaced by arginine, an amino acid with highly similar properties. This amino acid position is well conserved in available vertebrate species. In addition, this alteration is predicted to be tolerated by in silico analysis. Since supporting evidence is limited at this time, the clinical significance of this alteration remains unclear.

NM_001365999.1(SZT2):c.3755A>G (p.Gln1252Arg)

Gene: SZT2 (SZT2 subunit of KICSTOR complex; plus strand). Cytogenetic location: 1p34.2.
Variant type: single nucleotide variant.
Coding change: c.3755A>G on transcript NM_001365999.1 (MANE Select); coding-DNA position 3755, A replaced by G.
Protein change: p.Gln1252Arg; replaces glutamine 1252 with arginine.
Molecular consequence: missense variant.
Genome position (GRCh38, 1-based): chr1:43,427,686, A>G. VCF-style: chr1-43427686-A-G. GRCh37 (hg19) VCF-style: chr1-43893357-A-G.
Other names: c.3584A>G, p.Gln1195Arg (NM_015284.4); short protein forms Q1252R, Q1195R.
Identifiers: ClinVar variation 1732920 (VCV001732920.9), dbSNP rs750743832, ClinGen allele CA809080.